The following is an entry in ClinVar:

ClinVar aggregate classification (germline): Uncertain significance. Review status: criteria provided, multiple submitters, no conflicts (2 of 4 stars). 2 submissions from 2 submitters: Uncertain significance (2). Last evaluated 2025-06-15.

Allele frequency attached by ClinVar (database versions not stated): ExAC 0.00001; gnomAD exomes 0.00001 and 0.00002; TOPMed 0.00001.

Submissions (2):

Labcorp Genetics (formerly Invitae), Labcorp
Classification: Uncertain significance. Last evaluated: 2025-06-15. Review status: criteria provided, single submitter. Criteria: Invitae Variant Classification Sherloc (09022015). Collection method: clinical testing. Allele origin: germline.
Comment: This sequence change replaces phenylalanine, which is neutral and non-polar, with serine, which is neutral and polar, at codon 289 of the SAMD9 protein (p.Phe289Ser). This variant is present in population databases (rs776730076, gnomAD 0.006%). This variant has not been reported in the literature in individuals affected with SAMD9-related conditions. ClinVar contains an entry for this variant (Variation ID: 1015230). Invitae Evidence Modeling of protein sequence and biophysical properties (such as structural, functional, and spatial information, amino acid conservation, physicochemical variation, residue mobility, and thermodynamic stability) has been performed for this missense variant. However, the output from this modeling did not meet the statistical confidence thresholds required to predict the impact of this variant on SAMD9 protein function. In summary, the available evidence is currently insufficient to determine the role of this variant in disease. Therefore, it has been classified as a Variant of Uncertain Significance.

Blueprint Genetics
Classification: Uncertain significance. Last evaluated: 2021-09-12. Review status: criteria provided, single submitter. Criteria: ACMG Guidelines, 2015. Collection method: clinical testing. Allele origin: germline.

NM_017654.4(SAMD9):c.866T>C (p.Phe289Ser)

Gene: SAMD9 (sterile alpha motif domain containing 9; minus strand). Cytogenetic location: 7q21.2.
Variant type: single nucleotide variant.
Coding change: c.866T>C on transcript NM_017654.4 (MANE Select); coding-DNA position 866, T replaced by C.
Protein change: p.Phe289Ser; replaces phenylalanine 289 with serine.
Molecular consequence: missense variant.
Genome position (GRCh38, 1-based): chr7:93,105,232, A>G on the plus strand (T>C on the coding strand, the complement: SAMD9 is on the minus strand). VCF-style: chr7-93105232-A-G. GRCh37 (hg19) VCF-style: chr7-92734545-A-G.
Other names: c.866T>C, p.Phe289Ser (NM_001193307.2); short protein forms F289S.
Identifiers: ClinVar variation 1015230 (VCV001015230.11), dbSNP rs776730076, ClinGen allele CA4343068.